The following is an entry in ClinVar:

ClinVar aggregate classification (germline): Uncertain significance (1 of 4 stars; one submission).

Submission:

Dasa
Classification: Uncertain significance. Last evaluated: 2026-07-30. Review status: criteria provided, single submitter. Criteria: DASA Assertion Criteria. Collection method: clinical testing. Allele origin: germline.
Comment: NM_001291415.2(KDM6A):c.1834C>G (p.Pro612Ala) is a missense variant that results in the substitution of proline with alanine. This variant is rare in population databases. Computational prediction algorithms are consistent with a benign effect. The currently available literature and clinical evidence are not sufficient to establish a definitive association between this variant and the reported condition. Therefore, this variant is classified as a variant of uncertain significance.

NM_001291415.2(KDM6A):c.1834C>G (p.Pro612Ala)

Gene: KDM6A (lysine demethylase 6A; plus strand). Cytogenetic location: Xp11.3.
Variant type: single nucleotide variant.
Coding change: c.1834C>G on transcript NM_001291415.2 (MANE Select); coding-DNA position 1834, C replaced by G.
Protein change: p.Pro612Ala; replaces proline 612 with alanine.
Molecular consequence: missense variant. On other transcripts: non-coding transcript variant (1).
Genome position (GRCh38, 1-based): chrX:45,063,572, C>G. VCF-style: chrX-45063572-C-G. GRCh37 (hg19) VCF-style: chrX-44922817-C-G.
Other names: c.1699C>G, p.Pro567Ala (NM_001291416.2, NM_001419811.1); c.1543C>G, p.Pro515Ala (NM_001291417.2); c.1441C>G, p.Pro481Ala (NM_001291418.2, NM_001419815.1); c.790C>G, p.Pro264Ala (NM_001291421.2); c.1576C>G, p.Pro526Ala (NM_001410742.1, NM_001419814.1); c.1834C>G, p.Pro612Ala (NM_001419809.1); c.1732C>G, p.Pro578Ala (NM_001419810.1, NM_001419813.1); c.1678C>G, p.Pro560Ala (NM_001419812.1, NM_021140.4); short protein forms P264A, P481A, P515A, P526A, P560A, P567A, P578A, P612A.
Identifiers: ClinVar variation 5020931 (VCV005020931.1).